The following is an entry in ClinVar:

ClinVar aggregate classification (germline): Benign/Likely benign. Review status: criteria provided, multiple submitters, no conflicts (2 of 4 stars). 3 submissions from 3 submitters: Benign (1); Likely benign (2). Last evaluated 2026-04-05.

Conditions:
Hereditary cancer-predisposing syndrome. Also called: Hereditary Cancer Syndrome; Neoplastic Syndromes, Hereditary; Hereditary neoplastic syndrome; Tumor predisposition. Identifiers: Orphanet 140162, MedGen C0027672, MeSH D009386, MONDO:0015356.
Familial cancer of breast. Also called: BREAST CANCER, FAMILIAL; Hereditary breast cancer; hereditary breast carcinoma. Identifiers: Orphanet 227535, MedGen C0346153, MONDO:0016419, OMIM 114480. Disease mechanism: loss of function.
Ataxia-telangiectasia syndrome (AT). Also called: LOUIS-BAR SYNDROME; Ataxia-telangiectasia, complementation group E; Ataxia telangiectasia (A-T); Cerebello-oculocutaneous telangiectasia; Immunodeficiency with ataxia telangiectasia; Ataxia-telangiectasia, complementation group D. Identifiers: Orphanet 100, MedGen C0004135, MONDO:0008840, OMIM 208900.

Allele frequency attached by ClinVar (database versions not stated): TOPMed below 0.00001.

Submissions (3):

Ambry Genetics
Classification: Likely benign for Hereditary cancer-predisposing syndrome. Last evaluated: 2026-04-05. Review status: criteria provided, single submitter. Criteria: Ambry Variant Classification Scheme 2023. Collection method: clinical testing. Allele origin: germline.

Myriad Genetics, Inc.
Classification: Benign for Familial cancer of breast. Last evaluated: 2024-05-07. Review status: criteria provided, single submitter. Criteria: Myriad Autosomal Dominant, Autosomal Recessive and X-Linked Classification Criteria (2023). Collection method: clinical testing. Allele origin: unknown.
Comment: This variant is considered benign. This variant is a silent/synonymous amino acid change and it is not expected to impact splicing.

Labcorp Genetics (formerly Invitae), Labcorp
Classification: Likely benign for Ataxia-telangiectasia syndrome. Last evaluated: 2021-05-02. Review status: criteria provided, single submitter. Criteria: Invitae Variant Classification Sherloc (09022015). Collection method: clinical testing. Allele origin: germline.

NM_000051.4(ATM):c.2104C>T (p.Leu702=)

Gene: ATM (ATM serine/threonine kinase; plus strand). Cytogenetic location: 11q22.3.
Variant type: single nucleotide variant.
Coding change: c.2104C>T on transcript NM_000051.4 (MANE Select); coding-DNA position 2104, C replaced by T.
Protein change: p.Leu702=; no amino-acid change (leucine 702 retained).
Molecular consequence: synonymous variant.
Genome position (GRCh38, 1-based): chr11:108,254,019, C>T. VCF-style: chr11-108254019-C-T. GRCh37 (hg19) VCF-style: chr11-108124746-C-T.
Other names: c.2104C>T, p.Leu702= (NM_001351834.2); c.2104C>T (NM_000051.3).
Identifiers: ClinVar variation 1556006 (VCV001556006.10), dbSNP rs1555073490, ClinGen allele CA476672461.